The following is an entry in ClinVar:

NC_000005.9:g.(?_1432559)_(1443312_?)del

Gene: SLC6A3 (solute carrier family 6 member 3). Cytogenetic location: 5p15.33.
Variant type: Deletion.
Identifiers: ClinVar variation 3246392 (VCV003246392.1).

ClinVar aggregate classification (germline): Pathogenic (1 of 4 stars; one submission).

Conditions:
Parkinsonism-dystonia, infantile. Identifiers: Orphanet 238455, MedGen C2751067, MONDO:0013150.

Submission:

Labcorp Genetics (formerly Invitae), Labcorp
Classification: Pathogenic for Parkinsonism-dystonia, infantile. Last evaluated: 2023-08-23. Review status: criteria provided, single submitter. Criteria: Invitae Variant Classification Sherloc (09022015). Collection method: clinical testing. Allele origin: unknown.
Comment: For these reasons, this variant has been classified as Pathogenic. This variant has not been reported in the literature in individuals affected with SLC6A3-related conditions. This variant is a gross deletion of the genomic region encompassing exon(s) 2-4 of the SLC6A3 gene, which includes the initiator codon. This deletion extends beyond the assayed region for this gene and therefore may encompass additional genes. It is expected to result in an absent or disrupted protein product. Loss-of-function variants in SLC6A3 are known to be pathogenic (PMID: 21112253).

Literature cited by the submitters: PubMed 21112253.